The following is an entry in ClinVar:

NM_001083961.2(WDR62):c.3089C>T (p.Ala1030Val)

Gene: WDR62 (WD repeat domain 62; plus strand). Cytogenetic location: 19q13.12.
Variant type: single nucleotide variant.
Coding change: c.3089C>T on transcript NM_001083961.2 (MANE Select); coding-DNA position 3089, C replaced by T.
Protein change: p.Ala1030Val; replaces alanine 1030 with valine.
Molecular consequence: missense variant.
Genome position (GRCh38, 1-based): chr19:36,102,020, C>T. VCF-style: chr19-36102020-C-T. GRCh37 (hg19) VCF-style: chr19-36592922-C-T.
Other names: c.3089C>T, p.Ala1030Val (NM_173636.5); short protein forms A1030V.
Identifiers: ClinVar variation 1385327 (VCV001385327.8), dbSNP rs970848861, ClinGen allele CA405449908.

ClinVar aggregate classification (germline): Uncertain significance (1 of 4 stars; one submission).

Submission:

Labcorp Genetics (formerly Invitae), Labcorp
Classification: Uncertain significance. Last evaluated: 2022-07-12. Review status: criteria provided, single submitter. Criteria: Invitae Variant Classification Sherloc (09022015). Collection method: clinical testing. Allele origin: germline.
Comment: In summary, the available evidence is currently insufficient to determine the role of this variant in disease. Therefore, it has been classified as a Variant of Uncertain Significance. Algorithms developed to predict the effect of sequence changes on RNA splicing suggest that this variant may create or strengthen a splice site. Algorithms developed to predict the effect of missense changes on protein structure and function (SIFT, PolyPhen-2, Align-GVGD) all suggest that this variant is likely to be tolerated. ClinVar contains an entry for this variant (Variation ID: 1385327). This variant has not been reported in the literature in individuals affected with WDR62-related conditions. This variant is not present in population databases (gnomAD no frequency). This sequence change replaces alanine, which is neutral and non-polar, with valine, which is neutral and non-polar, at codon 1030 of the WDR62 protein (p.Ala1030Val).